The following is an entry in ClinVar:

ClinVar aggregate classification (germline): Conflicting classifications of pathogenicity. Review status: criteria provided, conflicting classifications (1 of 4 stars). 2 submissions from 2 submitters: Pathogenic (1); Uncertain significance (1). Last evaluated 2021-08-27.

Conditions:
Developmental and epileptic encephalopathy. Identifiers: MedGen C5779964, MONDO:0100620.
Developmental and epileptic encephalopathy, 17 (DEE17). Also called: Early infantile epileptic encephalopathy 17. Identifiers: Orphanet 1934, MedGen C3809606, MONDO:0014199, OMIM 615473.

Submissions (2):

Labcorp Genetics (formerly Invitae), Labcorp
Classification: Pathogenic for Early-infantile DEE. Last evaluated: 2021-08-27. Review status: criteria provided, single submitter. Criteria: Invitae Variant Classification Sherloc (09022015). Collection method: clinical testing. Allele origin: germline.

Genetics Laboratory, Department of Biology, Semnan University
Classification: Uncertain significance for Developmental and epileptic encephalopathy, 17. Last evaluated: 2019-10-15. Review status: criteria provided, single submitter. Criteria: ACMG Guidelines, 2015. Collection method: research. Allele origin: germline. Inheritance: Autosomal dominant inheritance. Affected: yes. Observed: 1 variant allele, 1 heterozygote.
Comment: The identified variant leads to the substitution of Aspartic acid 273 with Valine (D273V) in the GNAO1 protein. Hence, this substitution could alter the amino acid sequence and could leads to a decreased function of mutated protein.

Literature cited by the submitters: DOI 10.1186/s13023-025-03984-x (cited by Genetics Laboratory, Department of Biology, Semnan University).

NM_020988.3(GNAO1):c.818A>T (p.Asp273Val)

Gene: GNAO1 (G protein subunit alpha o1; plus strand). Cytogenetic location: 16q13.
Variant type: single nucleotide variant.
Coding change: c.818A>T on transcript NM_020988.3 (MANE Select); coding-DNA position 818, A replaced by T.
Protein change: p.Asp273Val; replaces aspartic acid 273 with valine.
Molecular consequence: missense variant.
Genome position (GRCh38, 1-based): chr16:56,351,478, A>T. VCF-style: chr16-56351478-A-T. GRCh37 (hg19) VCF-style: chr16-56385390-A-T.
Other names: short protein forms D273V.
Identifiers: ClinVar variation 861775 (VCV000861775.7), dbSNP rs2037920694, ClinGen allele CA395954803.